The following is an entry in ClinVar:

NM_006912.6(RIT1):c.265T>C (p.Tyr89His)

Gene: RIT1 (Ras like without CAAX 1; minus strand). Cytogenetic location: 1q22.
Variant type: single nucleotide variant.
Coding change: c.265T>C on transcript NM_006912.6 (MANE Select); coding-DNA position 265, T replaced by C.
Protein change: p.Tyr89His; replaces tyrosine 89 with histidine.
Molecular consequence: missense variant.
Genome position (GRCh38, 1-based): chr1:155,904,475, A>G on the plus strand (T>C on the coding strand, the complement: RIT1 is on the minus strand). VCF-style: chr1-155904475-A-G. GRCh37 (hg19) VCF-style: chr1-155874266-A-G.
Other names: c.265T>C, p.Tyr89His (LRG_1372t1); c.157T>C, p.Tyr53His (NM_001256820.2); c.316T>C, p.Tyr106His (NM_001256821.2); c.316T>C (NM_001256821.1); short protein forms Y89H, Y53H, Y106H.
Identifiers: ClinVar variation 183411 (VCV000183411.28), dbSNP rs869025197, ClinGen allele CA353873.

ClinVar aggregate classification (germline): Pathogenic. Review status: criteria provided, multiple submitters, no conflicts (2 of 4 stars). 9 submissions from 9 submitters: Pathogenic (7). 2 of the submissions do not count toward it. Last evaluated 2025-02-02.

Conditions:
Noonan syndrome and Noonan-related syndrome. Identifiers: Orphanet 98733, MedGen C5681679, MONDO:0020297.
Noonan syndrome 8 (NS8). Identifiers: Orphanet 648, MedGen C3809233, MONDO:0014143, OMIM 615355.
RIT1-related disorder. Also called: RIT1-related condition.
Noonan syndrome (NS). Also called: Noonan's syndrome. Identifiers: Orphanet 648, MedGen C0028326, MeSH D009634, MONDO:0018997. Disease mechanism: gain of function.

Allele frequency attached by ClinVar (database versions not stated): gnomAD exomes below 0.00001.
gnomAD v4.1: 1 of 1,613,948 alleles (0.000062%); highest among the groups gnomAD compares: Non-Finnish European, 0.000085%; no homozygotes.

Submissions (9):

Labcorp Genetics (formerly Invitae), Labcorp
Classification: Pathogenic for Noonan syndrome 8. Last evaluated: 2025-02-02. Review status: criteria provided, single submitter. Criteria: Invitae Variant Classification Sherloc (09022015). Collection method: clinical testing. Allele origin: germline.
Comment: This sequence change replaces tyrosine, which is neutral and polar, with histidine, which is basic and polar, at codon 89 of the RIT1 protein (p.Tyr89His). This variant is not present in population databases (gnomAD no frequency). This missense change has been observed in individual(s) with Noonan syndrome (PMID: 23791108, 26757980; internal data). In at least one individual the variant was observed to be de novo. ClinVar contains an entry for this variant (Variation ID: 183411). Invitae Evidence Modeling incorporating data from in vitro experimental studies (internal data) indicates that this missense variant is not expected to disrupt RIT1 function with a negative predictive value of 95%. Experimental studies have shown that this missense change affects RIT1 function (PMID: 26714497, 27226556). For these reasons, this variant has been classified as Pathogenic.

GeneDx
Classification: Pathogenic. Last evaluated: 2024-11-25. Review status: criteria provided, single submitter. Criteria: GeneDx Variant Classification Process June 2021. Collection method: clinical testing. Allele origin: germline. Affected: yes.
Comment: Published functional studies demonstrate enhanced Elk1 transactivation and a 4-fold faster nucleotide exchange rate in comparison to wild-type (PMID: 27226556, PMID:26714497); Not observed at significant frequency in large population cohorts (gnomAD); In silico analysis supports that this missense variant has a deleterious effect on protein structure/function; This variant is associated with the following publications: (PMID: 26446362, 26714497, 30025578, 35904599, 36274670, 33792302, 36578016, 27226556, 23791108)

Institute of Human Genetics, University of Leipzig Medical Center
Classification: Pathogenic for Noonan syndrome 8. Last evaluated: 2024-10-21. Review status: criteria provided, single submitter. Criteria: ACMG Guidelines, 2015. Collection method: clinical testing. Allele origin: unknown. Inheritance: Autosomal dominant inheritance. Affected: yes.
Comment: Criteria applied: PS3,PS4,PS2_MOD,PM1,PM2_SUP,PP3

Genome-Nilou Lab
Classification: Pathogenic for Noonan syndrome 8. Last evaluated: 2023-04-11. Review status: criteria provided, single submitter. Criteria: ACMG Guidelines, 2015. Collection method: clinical testing. Allele origin: germline. Affected: no.

Greenwood Genetic Center Diagnostic Laboratories, Greenwood Genetic Center
Classification: Pathogenic for Noonan syndrome 8. Last evaluated: 2022-08-01. Review status: criteria provided, single submitter. Criteria: ACMG Guidelines, 2015. Collection method: clinical testing. Allele origin: germline. Affected: yes.
Comment: PS3, PS4_Moderate, PM1, PM2, PP3

Genome Diagnostics Laboratory, The Hospital for Sick Children
Classification: Pathogenic for Noonan syndrome and Noonan-related syndrome. Last evaluated: 2019-12-02. Review status: criteria provided, single submitter. Criteria: ACMG Guidelines, 2015. Collection method: clinical testing. Allele origin: germline. Affected: yes.

Clinical Genetics Service, Universitary Hospital 12 de Octubre
Classification: Pathogenic for Noonan syndrome 8. Review status: criteria provided, single submitter. Criteria: ACMG Guidelines, 2015. Collection method: clinical testing. Allele origin: de novo. Affected: yes.

PreventionGenetics, part of Exact Sciences
Classification: Pathogenic for RIT1-related condition. Last evaluated: 2023-11-27. Review status: no assertion criteria provided. Collection method: clinical testing. Allele origin: germline. Not counted in ClinVar's aggregate classification.
Comment: The RIT1 c.316T>C variant is predicted to result in the amino acid substitution p.Tyr106His. This variant is also referred to as c.265T>C (p.Tyr89His) in an alternate transcript (NM_006912). This variant has been identified in the heterozygous state in an individual with Noonan syndrome or a related phenotype (Aoki et al. 2013. PubMed ID: 23791108; Cavé et al. 2016. PubMed ID: 26757980). Functional studies determined that the p.Tyr106His variant leads to enhanced activation and a more rapid nucleotide exchange rate as compared to wildtype (Fang et al. 2016. PubMed ID: 27226556; Yaoita et al. 2016. PubMed ID: 26714497). To our knowledge, this variant has not been reported in a large population database, indicating this variant is rare. In the ClinVar database, this variant is interpreted as pathogenic by multiple outside laboratories. This variant is interpreted as pathogenic.

Service de Génétique Moléculaire, Hôpital Robert Debré
Classification: Pathogenic for Noonan's syndrome. Review status: no assertion criteria provided. Criteria: clinical testing. Collection method: clinical testing. Allele origin: unknown. Affected: yes. Observed: 1 variant allele. Not counted in ClinVar's aggregate classification.

Literature cited by the submitters: PubMed 23791108 (cited by Labcorp Genetics (formerly Invitae), Labcorp); PubMed 26757980 (cited by Labcorp Genetics (formerly Invitae), Labcorp); PubMed 26714497 (cited by Labcorp Genetics (formerly Invitae), Labcorp); PubMed 27226556 (cited by Labcorp Genetics (formerly Invitae), Labcorp).